The following is an entry in ClinVar:

NM_001135651.3(EIF2AK2):c.1645C>T (p.His549Tyr)

Gene: EIF2AK2 (eukaryotic translation initiation factor 2 alpha kinase 2; minus strand). Cytogenetic location: 2p22.2.
Variant type: single nucleotide variant.
Coding change: c.1645C>T on transcript NM_001135651.3 (MANE Select); coding-DNA position 1645, C replaced by T.
Protein change: p.His549Tyr; replaces histidine 549 with tyrosine.
Molecular consequence: missense variant.
Genome position (GRCh38, 1-based): chr2:37,107,284, G>A on the plus strand (C>T on the coding strand, the complement: EIF2AK2 is on the minus strand). VCF-style: chr2-37107284-G-A. GRCh37 (hg19) VCF-style: chr2-37334427-G-A.
Other names: c.1522C>T, p.His508Tyr (NM_001135652.3); c.1645C>T, p.His549Tyr (NM_002759.4); short protein forms H508Y, H549Y.
Identifiers: ClinVar variation 2417275 (VCV002417275.5), dbSNP rs1260783592, ClinGen allele CA346294636.

ClinVar aggregate classification (germline): Uncertain significance (1 of 4 stars; one submission).

Allele frequency attached by ClinVar (database versions not stated): gnomAD exomes below 0.00001.
gnomAD v4.1: 1 of 1,613,106 alleles (0.000062%); highest among the groups gnomAD compares: Non-Finnish European, 0.000085%; no homozygotes.

Submission:

Labcorp Genetics (formerly Invitae), Labcorp
Classification: Uncertain significance. Last evaluated: 2025-08-21. Review status: criteria provided, single submitter. Criteria: Invitae Variant Classification Sherloc (09022015). Collection method: clinical testing. Allele origin: germline.
Comment: This sequence change replaces histidine, which is basic and polar, with tyrosine, which is neutral and polar, at codon 549 of the EIF2AK2 protein (p.His549Tyr). This variant is present in population databases (no rsID available, gnomAD 0.0009%). This variant has not been reported in the literature in individuals affected with EIF2AK2-related conditions. ClinVar contains an entry for this variant (Variation ID: 2417275). An algorithm developed to predict the effect of missense changes on protein structure and function outputs the following: PolyPhen-2: "Benign". The tyrosine amino acid residue is found in multiple mammalian species, which suggests that this missense change does not adversely affect protein function. In summary, the available evidence is currently insufficient to determine the role of this variant in disease. Therefore, it has been classified as a Variant of Uncertain Significance.